The following is an entry in ClinVar:

NM_002354.3(EPCAM):c.53_73del (p.Ala18_Gln24del)

Gene: EPCAM (epithelial cell adhesion molecule; plus strand). Cytogenetic location: 2p21.
Variant type: Deletion.
Coding change: c.53_73del on transcript NM_002354.3 (MANE Select); coding-DNA positions 53 to 73, 21 bases deleted (CGACTTTTGCCGCAGCTCAGG).
Protein change: p.Ala18_Gln24del.
Molecular consequence: inframe deletion.
Genome position (GRCh38, 1-based): chr2:47,369,558-47,369,578, CGACTTTTGCCGCAGCTCAGG deleted; deleting any 21 consecutive bases within chr2:47,369,556-47,369,578 gives the same sequence; the c. name uses the placement nearest the transcript's 3' end. VCF-style (leftmost placement, unchanged base first): chr2-47369555-CGGCGACTTTTGCCGCAGCTCA-C. GRCh37 (hg19) VCF-style: chr2-47596694-CGGCGACTTTTGCCGCAGCTCA-C.
Other names: c.53_73del21 (NM_002354.2).
Identifiers: ClinVar variation 560811 (VCV000560811.9), dbSNP rs1558432728, ClinGen allele CA532704700.

ClinVar aggregate classification (germline): Uncertain significance. Review status: criteria provided, multiple submitters, no conflicts (2 of 4 stars). 2 submissions from 2 submitters: Uncertain significance (2). Last evaluated 2017-07-06.

Submissions (2):

PreventionGenetics, part of Exact Sciences
Classification: Uncertain significance. Last evaluated: 2017-07-06. Review status: criteria provided, single submitter. Criteria: ACMG Guidelines, 2015. Collection method: clinical testing. Allele origin: germline.

Labcorp Genetics (formerly Invitae), Labcorp
Classification: Uncertain significance. Last evaluated: 2015-06-22. Review status: criteria provided, single submitter. Criteria: Invitae Variant Classification Sherloc (09022015). Collection method: clinical testing. Allele origin: germline.
Comment: In summary, this is a novel sequence change with uncertain impact on protein function. It has been classified as a Variant of Uncertain Significance. This variant has not been published in the literature and is not present in population databases. This sequence change deletes 21 nucleotides from exon 1 of the EPCAM mRNA (c.53_73del). This leads to the deletion of 7 amino acid residues in the EPCAM protein (p.Ala18_Gln24del) but otherwise preserves the integrity of the reading frame.